The following is an entry in ClinVar:

ClinVar aggregate classification (germline): Uncertain significance. Review status: criteria provided, multiple submitters, no conflicts (2 of 4 stars). 2 submissions from 2 submitters: Uncertain significance (2). Last evaluated 2025-07-19.

Allele frequency attached by ClinVar (database versions not stated): ExAC 0.00005; 1000 Genomes Project 30x 0.00031; gnomAD exomes 0.00001; gnomAD 0.00006; TOPMed 0.00008; 1000 Genomes Project 0.00020; ESP Exome Variant Server 0.00008.
gnomAD v4.1: 30 of 1,593,640 alleles (0.0019%); highest among the groups gnomAD compares: Admixed American, 0.012%; no homozygotes.

Submissions (2):

GeneDx
Classification: Uncertain significance. Last evaluated: 2025-07-19. Review status: criteria provided, single submitter. Criteria: GeneDx Variant Classification Process June 2021. Collection method: clinical testing. Allele origin: germline. Affected: yes.
Comment: In silico analysis suggests that this missense variant does not alter protein structure/function; Has not been previously published as pathogenic or benign to our knowledge

Ambry Genetics
Classification: Uncertain significance. Last evaluated: 2023-08-21. Review status: criteria provided, single submitter. Criteria: Ambry Variant Classification Scheme 2023. Collection method: clinical testing. Allele origin: germline.

NM_001004320.2(AGMO):c.964G>A (p.Gly322Ser)

Gene: AGMO (alkylglycerol monooxygenase; minus strand). Cytogenetic location: 7p21.2.
Variant type: single nucleotide variant.
Coding change: c.964G>A on transcript NM_001004320.2 (MANE Select); coding-DNA position 964, G replaced by A.
Protein change: p.Gly322Ser; replaces glycine 322 with serine.
Molecular consequence: missense variant.
Genome position (GRCh38, 1-based): chr7:15,385,556, C>T on the plus strand (G>A on the coding strand, the complement: AGMO is on the minus strand). VCF-style: chr7-15385556-C-T. GRCh37 (hg19) VCF-style: chr7-15425181-C-T.
Other names: short protein forms G322S.
Identifiers: ClinVar variation 2603624 (VCV002603624.3), dbSNP rs201562437, ClinGen allele CA4168455.
Genomic context (GRCh38, chr7:15,385,556, plus strand): 5'-GTACAACTGTATATATCTTTAATAGCTGAGATGAAGATGATGAGAAGGGAACTTCTTTGC[C>T]GGTGACCTAGGGAGACAAGAACCATTTCCTTTATATTGCTCCAGACTCATTTTTCTTACT-3'
Protein context (NP_001004320.1, residues 312-332): GLSEEIPEVT[Gly322Ser]KEVPFSSSSS